The following is an entry in ClinVar:

ClinVar aggregate classification (germline): Uncertain significance (1 of 4 stars; one submission).

Conditions:
Holoprosencephaly 5 (HPE5). Identifiers: Orphanet 2162, MedGen C1864827, MONDO:0012322, OMIM 609637.

Allele frequency attached by ClinVar (database versions not stated): gnomAD exomes below 0.00001.
gnomAD v4.1: 1 of 1,614,078 alleles (0.000062%); highest among the groups gnomAD compares: South Asian, 0.0011%; no homozygotes.

Submission:

Labcorp Genetics (formerly Invitae), Labcorp
Classification: Uncertain significance for Holoprosencephaly 5. Last evaluated: 2023-07-20. Review status: criteria provided, single submitter. Criteria: Invitae Variant Classification Sherloc (09022015). Collection method: clinical testing. Allele origin: germline.
Comment: This sequence change replaces glutamic acid, which is acidic and polar, with valine, which is neutral and non-polar, at codon 368 of the ZIC2 protein (p.Glu368Val). In summary, the available evidence is currently insufficient to determine the role of this variant in disease. Therefore, it has been classified as a Variant of Uncertain Significance. Advanced modeling of protein sequence and biophysical properties (such as structural, functional, and spatial information, amino acid conservation, physicochemical variation, residue mobility, and thermodynamic stability) performed at Invitae indicates that this missense variant is not expected to disrupt ZIC2 protein function. This variant has not been reported in the literature in individuals affected with ZIC2-related conditions. This variant is not present in population databases (gnomAD no frequency).

NM_007129.5(ZIC2):c.1103A>T (p.Glu368Val)

Gene: ZIC2 (Zic family zinc finger 2; plus strand). Cytogenetic location: 13q32.3.
Variant type: single nucleotide variant.
Coding change: c.1103A>T on transcript NM_007129.5 (MANE Select); coding-DNA position 1103, A replaced by T.
Protein change: p.Glu368Val; replaces glutamic acid 368 with valine.
Molecular consequence: missense variant.
Genome position (GRCh38, 1-based): chr13:99,984,973, A>T. VCF-style: chr13-99984973-A-T. GRCh37 (hg19) VCF-style: chr13-100637227-A-T.
Other names: short protein forms E368V.
Identifiers: ClinVar variation 2745484 (VCV002745484.3), dbSNP rs2501549184, ClinGen allele CA388638822.